The following is an entry in ClinVar:

ClinVar aggregate classification (germline): Uncertain significance (1 of 4 stars; one submission).

Submission:

Laboratorio de Genetica e Diagnostico Molecular, Hospital Israelita Albert Einstein
Classification: Uncertain significance. Last evaluated: 2019-03-15. Review status: criteria provided, single submitter. Criteria: ACMG Guidelines, 2015. Collection method: clinical testing. Allele origin: germline. Affected: yes.
Comment: ACMG classification criteria: PM2, BP1

NM_030632.3(ASXL3):c.5544G>T (p.Leu1848Phe)

Gene: ASXL3 (ASXL transcriptional regulator 3; plus strand). Cytogenetic location: 18q12.1.
Variant type: single nucleotide variant.
Coding change: c.5544G>T on transcript NM_030632.3 (MANE Select); coding-DNA position 5544, G replaced by T.
Protein change: p.Leu1848Phe; replaces leucine 1848 with phenylalanine.
Molecular consequence: missense variant.
Genome position (GRCh38, 1-based): chr18:33,745,392, G>T. VCF-style: chr18-33745392-G-T. GRCh37 (hg19) VCF-style: chr18-31325356-G-T.
Other names: short protein forms L1848F.
Identifiers: ClinVar variation 1690652 (VCV001690652.2), dbSNP rs1354745297, ClinGen allele CA402194771.